The following is an entry in ClinVar:

ClinVar aggregate classification (germline): Uncertain significance. Review status: criteria provided, multiple submitters, no conflicts (2 of 4 stars). 2 submissions from 2 submitters: Uncertain significance (2). Last evaluated 2025-02-12.

Conditions:
Succinate-semialdehyde dehydrogenase deficiency (SSADHD). Also called: SSADH DEFICIENCY; Succinic Semialdehyde Dehydrogenase Deficiency; 4-HYDROXYBUTYRIC ACIDURIA; GABA METABOLIC DEFECT. Identifiers: Orphanet 22, MedGen C0268631, MONDO:0010083, OMIM 271980.

Allele frequency attached by ClinVar (database versions not stated): gnomAD exomes below 0.00001 and 0.00002; gnomAD 0.00002; TOPMed 0.00002.
gnomAD v4.1: 27 of 1,614,012 alleles (0.0017%); highest among the groups gnomAD compares: East Asian, 0.0022%; no homozygotes.

Submissions (2):

GeneDx
Classification: Uncertain significance. Last evaluated: 2025-02-12. Review status: criteria provided, single submitter. Criteria: GeneDx Variant Classification Process June 2021. Collection method: clinical testing. Allele origin: germline. Affected: yes.
Comment: Not observed at significant frequency in large population cohorts (gnomAD); In silico analysis supports that this missense variant has a deleterious effect on protein structure/function; Has not been previously published as pathogenic or benign to our knowledge

Labcorp Genetics (formerly Invitae), Labcorp
Classification: Uncertain significance for Succinate-semialdehyde dehydrogenase deficiency. Last evaluated: 2024-12-11. Review status: criteria provided, single submitter. Criteria: Invitae Variant Classification Sherloc (09022015). Collection method: clinical testing. Allele origin: germline.
Comment: This sequence change replaces arginine, which is basic and polar, with glutamine, which is neutral and polar, at codon 514 of the ALDH5A1 protein (p.Arg514Gln). This variant is present in population databases (no rsID available, gnomAD 0.002%). This variant has not been reported in the literature in individuals affected with ALDH5A1-related conditions. ClinVar contains an entry for this variant (Variation ID: 583205). Invitae Evidence Modeling of protein sequence and biophysical properties (such as structural, functional, and spatial information, amino acid conservation, physicochemical variation, residue mobility, and thermodynamic stability) has been performed for this missense variant. However, the output from this modeling did not meet the statistical confidence thresholds required to predict the impact of this variant on ALDH5A1 protein function. In summary, the available evidence is currently insufficient to determine the role of this variant in disease. Therefore, it has been classified as a Variant of Uncertain Significance.

NM_001080.3(ALDH5A1):c.1541G>A (p.Arg514Gln)

Gene: ALDH5A1 (aldehyde dehydrogenase 5 family member A1; plus strand). Cytogenetic location: 6p22.3.
Variant type: single nucleotide variant.
Coding change: c.1541G>A on transcript NM_001080.3 (MANE Select); coding-DNA position 1541, G replaced by A.
Protein change: p.Arg514Gln; replaces arginine 514 with glutamine.
Molecular consequence: missense variant.
Genome position (GRCh38, 1-based): chr6:24,533,645, G>A. VCF-style: chr6-24533645-G-A. GRCh37 (hg19) VCF-style: chr6-24533873-G-A.
Other names: c.1397G>A, p.Arg466Gln (NM_001368954.1); c.1580G>A, p.Arg527Gln (NM_170740.1); short protein forms R514Q, R527Q, R466Q.
Identifiers: ClinVar variation 583205 (VCV000583205.11), dbSNP rs1232923691, ClinGen allele CA362967724.
Genomic context (GRCh38, chr6:24,533,645, plus strand): 5'-AAGGATTAATTTCCTCTGTGGAGTGCCCTTTTGGTGGAGTGAAGCAGTCCGGCCTTGGGC[G>A]AGAGGGGTCCAAGTATGGCATTGATGAGTATCTGGAACTCAAGTATGTGTGTTACGGGGG-3'
Protein context (NP_001071.1, residues 504-524): FGGVKQSGLG[Arg514Gln]EGSKYGIDEY